The following is an entry in ClinVar:

ClinVar aggregate classification (germline): Uncertain significance (1 of 4 stars; one submission).

Submission:

Women's Health and Genetics/Laboratory Corporation of America, LabCorp
Classification: Uncertain significance. Last evaluated: 2022-02-18. Review status: criteria provided, single submitter. Criteria: LabCorp Variant Classification Summary - May 2015. Collection method: clinical testing. Allele origin: germline.
Comment: Variant summary: SMC3 c.3604dupA (p.Thr1202AsnfsX12) located in the last exon results in a premature termination codon, predicted to cause a truncation of the encoded protein or absence of the protein due to nonsense mediated decay, which are commonly known mechanisms for disease. Truncations downstream of this position have not been observed at our laboratory and not been reported in the HGMD/LOVD databases. The variant was absent in 251330 control chromosomes. The available data on variant occurrences in the general population are insufficient to allow any conclusion about variant significance. To our knowledge, no occurrence of c.3604dupA in individuals affected with Cornelia De Lange Syndrome 3 and no experimental evidence demonstrating its impact on protein function have been reported. No clinical diagnostic laboratories have submitted clinical-significance assessments for this variant to ClinVar after 2014. Based on the evidence outlined above, the variant was classified as uncertain significance.

NM_005445.4(SMC3):c.3604dup (p.Thr1202fs)

Gene: SMC3 (structural maintenance of chromosomes 3; plus strand). Cytogenetic location: 10q25.2.
Variant type: Duplication.
Coding change: c.3604dup on transcript NM_005445.4 (MANE Select); coding-DNA position 3604, one base duplicated (A; older notation c.3604dupA).
Protein change: p.Thr1202fs; shifts the reading frame from threonine 1202.
Molecular consequence: frameshift variant.
Genome position (GRCh38, 1-based): chr10:110,604,252, A duplicated. VCF-style (leftmost placement, unchanged base first): chr10-110604251-C-CA. GRCh37 (hg19) VCF-style: chr10-112364009-C-CA.
Other names: short protein forms T1202fs.
Identifiers: ClinVar variation 1343604 (VCV001343604.1), dbSNP rs2134755767, ClinGen allele CA2573053235.